The following is an entry in ClinVar:

NM_022458.4(LMBR1):c.423+3792C>T

Genes: LMBR1 (limb development membrane protein 1; minus strand), SHH (sonic hedgehog signaling molecule; minus strand), ZRS (ZPA regulatory sequence; plus strand). Cytogenetic location: 7q36.3.
Variant type: single nucleotide variant.
Coding change: c.423+3792C>T on transcript NM_022458.4 (MANE Select); 3792 bases into the intron after coding-DNA position 423, C replaced by T.
Molecular consequence: intron variant.
Genome position (GRCh38, 1-based): chr7:156,792,597, G>A on the plus strand (C>T on the coding strand, the complement: LMBR1 is on the minus strand). VCF-style: chr7-156792597-G-A. GRCh37 (hg19) VCF-style: chr7-156585291-G-A.
Other names: c.360+3792C>T (NM_001363412.2); c.144+3792C>T (NM_001350954.2); c.423+3792C>T (NM_001363410.2, NM_001363409.2, NM_001350953.2); c.-112+3792C>T (NM_001350958.2, NM_001350956.2, NM_001350955.2 and 1 more transcripts); c.54+3792C>T (NM_001350957.2, NM_001363411.2).
Identifiers: ClinVar variation 3607053 (VCV003607053.3).

ClinVar aggregate classification (germline): Conflicting classifications of pathogenicity. Review status: criteria provided, conflicting classifications (1 of 4 stars). 2 submissions from 2 submitters: Uncertain significance (1); Likely benign (1). Last evaluated 2026-03-18.

Conditions:
SHH-related disorder. Also called: SHH-related condition; SHH-related disorders.

gnomAD v4.1: 4 of 152,280 alleles (0.0026%); highest among the groups gnomAD compares: South Asian, 0.021%; no homozygotes.

Submissions (2):

PreventionGenetics, part of Exact Sciences
Classification: Uncertain significance for SHH-related condition. Last evaluated: 2026-03-18. Review status: criteria provided, single submitter. Criteria: ACMG Guidelines, 2015. Collection method: clinical testing. Allele origin: germline.
Comment: The SHH c.-980475C>T variant is located in the 5' untranslated region. This variant may also be described as c.423+3792C>T within intron 5 of the LMBR1 gene (NM_022458), which contains the highly conserved ZPA cis-regulatory sequence (ZRS) located ~1 Mb upstream of the SHH gene. The ZPA (zone of polarizing activity) drives expression of SHH in the posterior limb bud during embryonic development, resulting in a gradient of SHH defining the anterior-posterior axis that determines digit identity and number of the hands and feet. Pathogenic variants in the ZRS have been shown to drive ectopic expression of SHH in the anterior embryonic limb bud, resulting in preaxial polydactyly (PPD), triphalangeal thumb (TPT), or polysyndactyly (Lettice et al. 2002. PubMed ID: 12032320; Lettice et al. 2008. PubMed ID: 18156157; VanderMeer and Ahituv. 2011. PubMed ID: 21509892). To our knowledge, this variant has not been reported in the literature. This variant is reported in 0.0065% of alleles in individuals of European (Non-Finnish) descent in gnomAD. Although we suspect that this variant may be likely benign, at this time, the clinical significance of this variant is uncertain due to the absence of conclusive functional and genetic evidence for polydactyly. However, variants in this region are not associated with holoprosencephaly.

Labcorp Genetics (formerly Invitae), Labcorp
Classification: Likely benign. Last evaluated: 2024-10-22. Review status: criteria provided, single submitter. Criteria: Invitae Variant Classification Sherloc (09022015). Collection method: clinical testing. Allele origin: germline.